The following is an entry in ClinVar:

NM_004628.5(XPC):c.2T>C (p.Met1Thr)

Genes: XPC (XPC complex subunit, DNA damage recognition and repair factor; minus strand), LOC129936244 (ATAC-STARR-seq lymphoblastoid active region 19500; plus strand). Cytogenetic location: 3p25.1.
Variant type: single nucleotide variant.
Coding change: c.2T>C on transcript NM_004628.5 (MANE Select); coding-DNA position 2, T replaced by C.
Protein change: p.Met1Thr; changes the start codon (methionine 1).
Molecular consequence: missense variant, initiator codon variant. On other transcripts: 5 prime UTR variant (1), non-coding transcript variant (2).
Genome position (GRCh38, 1-based): chr3:14,178,567, A>G on the plus strand (T>C on the coding strand, the complement: XPC is on the minus strand). VCF-style: chr3-14178567-A-G. GRCh37 (hg19) VCF-style: chr3-14220067-A-G.
Other names: c.-454T>C (NM_001354726.2); c.2T>C, p.Met1Thr (NM_001354727.2, NM_001354729.2, NM_001354730.2); short protein forms M1T.
Identifiers: ClinVar variation 967922 (VCV000967922.11), dbSNP rs760324503, ClinGen allele CA69769174.

ClinVar aggregate classification (germline): Likely pathogenic. Review status: criteria provided, multiple submitters, no conflicts (2 of 4 stars). 2 submissions from 2 submitters: Likely pathogenic (2). Last evaluated 2023-06-02.

Conditions:
XPC-related disorder. Also called: XPC-related condition.

Allele frequency attached by ClinVar (database versions not stated): TOPMed 0.00002.

Submissions (2):

Labcorp Genetics (formerly Invitae), Labcorp
Classification: Likely pathogenic. Last evaluated: 2023-06-02. Review status: criteria provided, single submitter. Criteria: Invitae Variant Classification Sherloc (09022015). Collection method: clinical testing. Allele origin: germline.
Comment: Disruption of the initiator codon has been observed in individuals with xeroderma pigmentosum (PMID: 18955168). In summary, the currently available evidence indicates that the variant is pathogenic, but additional data are needed to prove that conclusively. Therefore, this variant has been classified as Likely Pathogenic. Experimental studies have shown that disruption of the initiator codon affects XPC function (PMID: 18955168). Algorithms developed to predict the effect of variants on protein structure and function are not available or were not evaluated for this variant. ClinVar contains an entry for this variant (Variation ID: 967922). This variant is present in population databases (no rsID available, gnomAD 0.02%). This sequence change affects the initiator methionine of the XPC mRNA. The next in-frame methionine is located at codon 118.

Blueprint Genetics
Classification: Likely pathogenic for XPC-related disorders. Last evaluated: 2023-01-20. Review status: criteria provided, single submitter. Criteria: ACMG Guidelines, 2015. Collection method: clinical testing. Allele origin: germline. Affected: yes. Observed: 2 variant alleles.

Literature cited by the submitters: PubMed 18955168 (cited by Labcorp Genetics (formerly Invitae), Labcorp).